The following is an entry in ClinVar:

ClinVar aggregate classification (germline): Uncertain significance (1 of 4 stars; one submission).

Conditions:
Developmental delay with autism spectrum disorder and gait instability (MRT38). Also called: Intellectual developmental disorder, autosomal recessive 38. Identifiers: Orphanet 329195, MedGen C3809753, MONDO:0014224, OMIM 615516.

Allele frequency attached by ClinVar (database versions not stated): gnomAD exomes below 0.00001; ExAC 0.00001; gnomAD 0.00001.
gnomAD v4.1: 5 of 1,613,872 alleles (0.00031%); highest among the groups gnomAD compares: Admixed American, 0.0017%; no homozygotes.

Submission:

Baylor Genetics
Classification: Uncertain significance for Developmental delay with autism spectrum disorder and gait instability. Last evaluated: 2019-05-04. Review status: criteria provided, single submitter. Criteria: ACMG Guidelines, 2015. Collection method: clinical testing. Allele origin: paternal. Affected: yes.
Comment: This variant was determined to be of uncertain significance according to ACMG Guidelines, 2015 [PMID:25741868].

NM_004667.6(HERC2):c.6730G>A (p.Val2244Met)

Gene: HERC2 (HECT and RLD domain containing E3 ubiquitin protein ligase 2; minus strand). Cytogenetic location: 15q13.1.
Variant type: single nucleotide variant.
Coding change: c.6730G>A on transcript NM_004667.6 (MANE Select); coding-DNA position 6730, G replaced by A.
Protein change: p.Val2244Met; replaces valine 2244 with methionine.
Molecular consequence: missense variant.
Genome position (GRCh38, 1-based): chr15:28,213,798, C>T on the plus strand (G>A on the coding strand, the complement: HERC2 is on the minus strand). VCF-style: chr15-28213798-C-T. GRCh37 (hg19) VCF-style: chr15-28458944-C-T.
Other names: short protein forms V2244M.
Identifiers: ClinVar variation 1029883 (VCV001029883.1), dbSNP rs761892834, ClinGen allele CA7441955.